The following is an entry in ClinVar:

NM_000179.3(MSH6):c.1140T>G (p.Asp380Glu)

Gene: MSH6 (mutS homolog 6; plus strand). Cytogenetic location: 2p16.3.
Variant type: single nucleotide variant.
Coding change: c.1140T>G on transcript NM_000179.3 (MANE Select); coding-DNA position 1140, T replaced by G.
Protein change: p.Asp380Glu; replaces aspartic acid 380 with glutamic acid.
Molecular consequence: missense variant.
Genome position (GRCh38, 1-based): chr2:47,799,123, T>G. VCF-style: chr2-47799123-T-G. GRCh37 (hg19) VCF-style: chr2-48026262-T-G.
Other names: c.750T>G, p.Asp250Glu (NM_001281492.2); c.234T>G, p.Asp78Glu (NM_001281493.2, NM_001281494.2); short protein forms D250E, D380E, D78E.
Identifiers: ClinVar variation 1692246 (VCV001692246.1), dbSNP rs1553412534, ClinGen allele CA346742144.

ClinVar aggregate classification (germline): Uncertain significance (1 of 4 stars; one submission).

Conditions:
Hereditary cancer-predisposing syndrome. Also called: Hereditary Cancer Syndrome; Hereditary neoplastic syndrome; Neoplastic Syndromes, Hereditary; Tumor predisposition. Identifiers: Orphanet 140162, MedGen C0027672, MeSH D009386, MONDO:0015356.

Allele frequency attached by ClinVar (database versions not stated): gnomAD exomes below 0.00001.
gnomAD v4.1: 1 of 1,614,134 alleles (0.000062%); highest among the groups gnomAD compares: Non-Finnish European, 0.000085%; no homozygotes.

Submission:

Sema4
Classification: Uncertain significance for Hereditary cancer-predisposing syndrome. Last evaluated: 2021-10-12. Review status: criteria provided, single submitter. Criteria: Sema4 Curation Guidelines. Collection method: curation. Allele origin: germline.
Comment: The MSH6 c.1140T>G (p.D380E) variant has not been reported in the literature to our knowledge. It was not observed in the large and broad cohorts of the Genome Aggregation Database. The variant has not been reported in ClinVar. In silico tools suggest the impact of the variant on protein function is deleterious, though these predictions have not been confirmed by functional studies. The evidence is insufficient to meet ACMG/AMP criteria for classifying the variant as benign or pathogenic. Thus, the clinical significance of this variant is currently uncertain.